The following is an entry in ClinVar:

NM_052867.4(NALCN):c.691C>T (p.Pro231Ser)

Gene: NALCN (sodium leak channel, non-selective; minus strand). Cytogenetic location: 13q33.1.
Variant type: single nucleotide variant.
Coding change: c.691C>T on transcript NM_052867.4 (MANE Select); coding-DNA position 691, C replaced by T.
Protein change: p.Pro231Ser; replaces proline 231 with serine.
Molecular consequence: missense variant.
Genome position (GRCh38, 1-based): chr13:101,345,374, G>A on the plus strand (C>T on the coding strand, the complement: NALCN is on the minus strand). VCF-style: chr13-101345374-G-A. GRCh37 (hg19) VCF-style: chr13-101997725-G-A.
Other names: c.691C>T, p.Pro231Ser (NM_001350748.2, NM_001350749.2, NM_001350750.2 and 1 more transcripts); short protein forms P231S.
Identifiers: ClinVar variation 595726 (VCV000595726.13), dbSNP rs766358582, ClinGen allele CA7036393.

ClinVar aggregate classification (germline): Uncertain significance. Review status: criteria provided, multiple submitters, no conflicts (2 of 4 stars). 4 submissions from 4 submitters: Uncertain significance (4). Last evaluated 2026-10-13.

Conditions:
Inborn genetic diseases. Identifiers: MedGen C0950123, MeSH D030342.

Allele frequency attached by ClinVar (database versions not stated): gnomAD exomes below 0.00001; ExAC 0.00001; gnomAD 0.00002; TOPMed 0.00003.
gnomAD v4.1: 4 of 1,613,606 alleles (0.00025%); highest among the groups gnomAD compares: Admixed American, 0.0067%; no homozygotes.

Submissions (4):

GeneDx
Classification: Uncertain significance. Last evaluated: 2026-10-13. Review status: criteria provided, single submitter. Criteria: GeneDx Variant Classification Process June 2021. Collection method: clinical testing. Allele origin: germline.
Comment: In silico analysis supports that this missense variant has a deleterious effect on protein structure/function; Has not been previously published as pathogenic or benign to our knowledge

Labcorp Genetics (formerly Invitae), Labcorp
Classification: Uncertain significance. Last evaluated: 2025-06-17. Review status: criteria provided, single submitter. Criteria: Invitae Variant Classification Sherloc (09022015). Collection method: clinical testing. Allele origin: germline.
Comment: This sequence change replaces proline, which is neutral and non-polar, with serine, which is neutral and polar, at codon 231 of the NALCN protein (p.Pro231Ser). This variant is present in population databases (rs766358582, gnomAD 0.003%). This variant has not been reported in the literature in individuals affected with NALCN-related conditions. ClinVar contains an entry for this variant (Variation ID: 595726). Invitae Evidence Modeling of protein sequence and biophysical properties (such as structural, functional, and spatial information, amino acid conservation, physicochemical variation, residue mobility, and thermodynamic stability) indicates that this missense variant is not expected to disrupt NALCN protein function with a negative predictive value of 80%. In summary, the available evidence is currently insufficient to determine the role of this variant in disease. Therefore, it has been classified as a Variant of Uncertain Significance.

Ambry Genetics
Classification: Uncertain significance for Inborn genetic diseases. Last evaluated: 2024-01-29. Review status: criteria provided, single submitter. Criteria: Ambry Variant Classification Scheme 2023. Collection method: clinical testing. Allele origin: germline.

Eurofins Ntd Llc (ga)
Classification: Uncertain significance. Last evaluated: 2018-01-09. Review status: criteria provided, single submitter. Criteria: EGL Classification Definitions 2015. Collection method: clinical testing. Allele origin: germline. Observed: 1 variant allele, 1 heterozygote.